The following is an entry in ClinVar:

NM_152419.3(HGSNAT):c.716_720del (p.Arg239fs)

Gene: HGSNAT (heparan-alpha-glucosaminide N-acetyltransferase; plus strand). Cytogenetic location: 8p11.21.
Variant type: Deletion.
Coding change: c.716_720del on transcript NM_152419.3 (MANE Select); coding-DNA positions 716 to 720, 5 bases deleted (GCCTC; older notation c.716_720delGCCTC).
Protein change: p.Arg239fs; shifts the reading frame from arginine 239.
Molecular consequence: frameshift variant. On other transcripts: 5 prime UTR variant (1).
Genome position (GRCh38, 1-based): chr8:43,170,667-43,170,671, GCCTC deleted; deleting any 5 consecutive bases within chr8:43,170,666-43,170,671 gives the same sequence; the c. name uses the placement nearest the transcript's 3' end. VCF-style (leftmost placement, unchanged base first): chr8-43170665-CCGCCT-C. GRCh37 (hg19) VCF-style: chr8-43025808-CCGCCT-C.
Other names: c.716_720del, p.Arg239fs (NM_001363227.2, NM_001363228.2); c.-118_-114del (NM_001363229.2); short protein forms R239fs.
Identifiers: ClinVar variation 1726117 (VCV001726117.2), dbSNP rs2486963752, ClinGen allele CA2580078381.

ClinVar aggregate classification (germline): Likely pathogenic (1 of 4 stars; one submission).

Conditions:
Mucopolysaccharidosis, MPS-III-C (MPS3C). Also called: MUCOPOLYSACCHARIDOSIS, TYPE IIIC; Mucopolysaccharidosis type IIIC (Sanfilippo C); SANFILIPPO SYNDROME C; MPS III C; mucopolysaccharidosis type 3C; MPS IIIC (Sanfilippo Syndrome Type C). Identifiers: Orphanet 581, Orphanet 79271, MedGen C0086649, MONDO:0009657, OMIM 252930.

Submission:

Myriad Genetics, Inc.
Classification: Likely pathogenic for Mucopolysaccharidosis, MPS-III-C. Last evaluated: 2022-05-18. Review status: criteria provided, single submitter. Criteria: Myriad Women's Health Autosomal Recessive and X-Linked Classification Criteria (2021). Collection method: clinical testing. Allele origin: unknown.
Comment: NM_152419.2(HGSNAT):c.716_720del5(R239Pfs*39) is expected to be pathogenic in the context of mucopolysaccharidosis type IIIC. This variant is predicted to lead to an abnormal or absent protein product due to the creation of a premature termination codon in HGSNAT, a gene where loss-of-function variants are known to be pathogenic. Please note: this variant was assessed in the context of healthy population screening.